The following is an entry in ClinVar:

ClinVar aggregate classification (germline): Uncertain significance (1 of 4 stars; one submission).

Submission:

Labcorp Genetics (formerly Invitae), Labcorp
Classification: Uncertain significance. Last evaluated: 2023-08-04. Review status: criteria provided, single submitter. Criteria: Invitae Variant Classification Sherloc (09022015). Collection method: clinical testing. Allele origin: germline.
Comment: This variant is a gross deletion of the genomic region encompassing exon(s) 39-40 of the CPLANE1 gene. This variant would be expected to be in-frame, preserving the integrity of the reading frame. This variant has not been reported in the literature in individuals affected with CPLANE1-related conditions. In summary, the available evidence is currently insufficient to determine the role of this variant in disease. Therefore, it has been classified as a Variant of Uncertain Significance.

NC_000005.9:g.(?_37157752)_(37158467_?)del

Gene: CPLANE1 (ciliogenesis and planar polarity effector complex subunit 1; minus strand). Cytogenetic location: 5p13.2.
Variant type: Deletion.
Identifiers: ClinVar variation 1447362 (VCV001447362.7).